The following is an entry in ClinVar:

ClinVar aggregate classification (germline): Uncertain significance (1 of 4 stars; one submission).

gnomAD v4.1: 1 of 1,612,602 alleles (0.000062%); highest among the groups gnomAD compares: Non-Finnish European, 0.000085%; no homozygotes.

Submission:

GeneDx
Classification: Uncertain significance. Last evaluated: 2025-08-04. Review status: criteria provided, single submitter. Criteria: GeneDx Variant Classification Process June 2021. Collection method: clinical testing. Allele origin: germline. Affected: yes.
Comment: Not observed at significant frequency in large population cohorts (gnomAD); In silico analysis suggests that this missense variant does not alter protein structure/function; Has not been previously published as pathogenic or benign to our knowledge

NM_012082.4(ZFPM2):c.3413A>G (p.Lys1138Arg)

Genes: ZFPM2 (zinc finger protein, FOG family member 2; plus strand), ZFPM2-AS1 (ZFPM2 antisense RNA 1; minus strand). Cytogenetic location: 8q23.1.
Variant type: single nucleotide variant.
Coding change: c.3413A>G on transcript NM_012082.4 (MANE Select); coding-DNA position 3413, A replaced by G.
Protein change: p.Lys1138Arg; replaces lysine 1138 with arginine.
Molecular consequence: missense variant.
Genome position (GRCh38, 1-based): chr8:105,803,495, A>G. VCF-style: chr8-105803495-A-G. GRCh37 (hg19) VCF-style: chr8-106815723-A-G.
Other names: c.3254A>G, p.Lys1085Arg (NM_001362836.2); c.3017A>G, p.Lys1006Arg (NM_001362837.2); short protein forms K1006R, K1085R, K1138R.
Identifiers: ClinVar variation 4756098 (VCV004756098.1).